The following is an entry in ClinVar:

NM_005159.5(ACTC1):c.687G>A (p.Met229Ile)

Genes: ACTC1 (actin alpha cardiac muscle 1; minus strand), GJD2-DT (GJD2 divergent transcript; plus strand). Cytogenetic location: 15q14.
Variant type: single nucleotide variant.
Coding change: c.687G>A on transcript NM_005159.5 (MANE Select); coding-DNA position 687, G replaced by A.
Protein change: p.Met229Ile; replaces methionine 229 with isoleucine.
Molecular consequence: missense variant.
Genome position (GRCh38, 1-based): chr15:34,792,211, C>T on the plus strand (G>A on the coding strand, the complement: ACTC1 is on the minus strand). VCF-style: chr15-34792211-C-T. GRCh37 (hg19) VCF-style: chr15-35084412-C-T.
Other names: c.687G>A (LRG_388t1); short protein forms M229I.
Identifiers: ClinVar variation 652722 (VCV000652722.11), dbSNP rs1595760799, ClinGen allele CA391630546.
Genomic context (GRCh38, chr15:34,792,211, plus strand): 5'-GACTTGGCCATCAGGCAGTTCATAGCTCTTCTCCAGGGAGGAGGAAGAGGCAGCTGTGGC[C>T]ATCTCATTCTCAAAATCCAGGGCGACATAGCACAGCTTCTCTTTAATGTCACGGACAATT-3'
Protein context (NP_005150.1, residues 219-239): CYVALDFENE[Met229Ile]ATAASSSSLE

ClinVar aggregate classification (germline): Uncertain significance. Review status: criteria provided, multiple submitters, no conflicts (2 of 4 stars). 3 submissions from 3 submitters: Uncertain significance (3). Last evaluated 2025-04-08.

Conditions:
Cardiovascular phenotype. Identifiers: MedGen CN230736.
Hypertrophic cardiomyopathy 11. Also called: ACTC1-Related Familial Hypertrophic Cardiomyopathy. Identifiers: MedGen C2677506, MONDO:0012799, OMIM 612098.
Dilated cardiomyopathy 1R (CMD1R). Identifiers: Orphanet 154, Orphanet 54260, MedGen C3150681, MONDO:0013261, OMIM 613424.
Atrial septal defect 5 (ASD5). Identifiers: Orphanet 1478, MedGen C2748552, MONDO:0013011, OMIM 612794.

Submissions (3):

Molecular Diagnostic Laboratory for Inherited Cardiovascular Disease, Montreal Heart Institute
Classification: Uncertain significance for Cardiovascular phenotype. Last evaluated: 2025-04-08. Review status: criteria provided, single submitter. Criteria: ACMG Guidelines, 2015. Collection method: clinical testing. Allele origin: germline. Affected: yes.

Labcorp Genetics (formerly Invitae), Labcorp
Classification: Uncertain significance for Dilated cardiomyopathy 1R; Hypertrophic cardiomyopathy 11; Atrial septal defect 5. Last evaluated: 2021-08-31. Review status: criteria provided, single submitter. Criteria: Invitae Variant Classification Sherloc (09022015). Collection method: clinical testing. Allele origin: germline.
Comment: This sequence change replaces methionine with isoleucine at codon 229 of the ACTC1 protein (p.Met229Ile). The methionine residue is highly conserved and there is a small physicochemical difference between methionine and isoleucine. This variant is not present in population databases (ExAC no frequency). This variant has not been reported in the literature in individuals affected with ACTC1-related conditions. Algorithms developed to predict the effect of missense changes on protein structure and function are either unavailable or do not agree on the potential impact of this missense change (SIFT: "Deleterious"; PolyPhen-2: "Benign"; Align-GVGD: "Class C0"). In summary, the available evidence is currently insufficient to determine the role of this variant in disease. Therefore, it has been classified as a Variant of Uncertain Significance.

GeneDx
Classification: Uncertain significance. Last evaluated: 2019-10-28. Review status: criteria provided, single submitter. Criteria: GeneDx Variant Classification Process June 2021. Collection method: clinical testing. Allele origin: germline. Affected: yes.
Comment: Has not been previously published as pathogenic or benign to our knowledge; Not observed in large population cohorts (Lek et al., 2016); Reported in ClinVar as a variant of uncertain significance (ClinVar Variant ID# 652722; Landrum et al., 2016); In silico analysis, which includes protein predictors and evolutionary conservation, supports that this variant does not alter protein structure/function